The following is an entry in ClinVar:

ClinVar aggregate classification (germline): Uncertain significance (1 of 4 stars; one submission).

Allele frequency attached by ClinVar (database versions not stated): gnomAD exomes below 0.00001; ExAC 0.00001.

Submission:

Labcorp Genetics (formerly Invitae), Labcorp
Classification: Uncertain significance. Last evaluated: 2022-08-22. Review status: criteria provided, single submitter. Criteria: Invitae Variant Classification Sherloc (09022015). Collection method: clinical testing. Allele origin: germline.
Comment: This sequence change replaces valine, which is neutral and non-polar, with isoleucine, which is neutral and non-polar, at codon 284 of the ASPM protein (p.Val284Ile). This variant is present in population databases (rs368810727, gnomAD 0.003%). This variant has not been reported in the literature in individuals affected with ASPM-related conditions. Algorithms developed to predict the effect of missense changes on protein structure and function output the following: SIFT: "Tolerated"; PolyPhen-2: "Benign"; Align-GVGD: "Class C0". The isoleucine amino acid residue is found in multiple mammalian species, which suggests that this missense change does not adversely affect protein function. In summary, the available evidence is currently insufficient to determine the role of this variant in disease. Therefore, it has been classified as a Variant of Uncertain Significance.

NM_018136.5(ASPM):c.850G>A (p.Val284Ile)

Gene: ASPM (assembly factor for spindle microtubules; minus strand). Cytogenetic location: 1q31.3.
Variant type: single nucleotide variant.
Coding change: c.850G>A on transcript NM_018136.5 (MANE Select); coding-DNA position 850, G replaced by A.
Protein change: p.Val284Ile; replaces valine 284 with isoleucine.
Molecular consequence: missense variant.
Genome position (GRCh38, 1-based): chr1:197,143,402, C>T on the plus strand (G>A on the coding strand, the complement: ASPM is on the minus strand). VCF-style: chr1-197143402-C-T. GRCh37 (hg19) VCF-style: chr1-197112532-C-T.
Other names: c.850G>A, p.Val284Ile (NM_001206846.2); short protein forms V284I.
Identifiers: ClinVar variation 2187365 (VCV002187365.1), dbSNP rs368810727, ClinGen allele CA1310801.